The following is an entry in ClinVar:

ClinVar aggregate classification (germline): Uncertain significance (1 of 4 stars; one submission).

Allele frequency attached by ClinVar (database versions not stated): gnomAD exomes below 0.00001; TOPMed below 0.00001; gnomAD 0.00002.
gnomAD v4.1: 8 of 1,613,794 alleles (0.0005%); highest among the groups gnomAD compares: African/African-American, 0.0027%; no homozygotes.

Submission:

Labcorp Genetics (formerly Invitae), Labcorp
Classification: Uncertain significance. Last evaluated: 2022-11-15. Review status: criteria provided, single submitter. Criteria: Invitae Variant Classification Sherloc (09022015). Collection method: clinical testing. Allele origin: germline.
Comment: This sequence change replaces asparagine, which is neutral and polar, with serine, which is neutral and polar, at codon 324 of the CDH3 protein (p.Asn324Ser). This variant is present in population databases (no rsID available, gnomAD 0.01%). This variant has not been reported in the literature in individuals affected with CDH3-related conditions. Advanced modeling of protein sequence and biophysical properties (such as structural, functional, and spatial information, amino acid conservation, physicochemical variation, residue mobility, and thermodynamic stability) performed at Invitae indicates that this missense variant is not expected to disrupt CDH3 protein function. In summary, the available evidence is currently insufficient to determine the role of this variant in disease. Therefore, it has been classified as a Variant of Uncertain Significance.

NM_001793.6(CDH3):c.971A>G (p.Asn324Ser)

Gene: CDH3 (cadherin 3; plus strand). Cytogenetic location: 16q22.1.
Variant type: single nucleotide variant.
Coding change: c.971A>G on transcript NM_001793.6 (MANE Select); coding-DNA position 971, A replaced by G.
Protein change: p.Asn324Ser; replaces asparagine 324 with serine.
Molecular consequence: missense variant.
Genome position (GRCh38, 1-based): chr16:68,681,071, A>G. VCF-style: chr16-68681071-A-G. GRCh37 (hg19) VCF-style: chr16-68714974-A-G.
Other names: c.971A>G, p.Asn324Ser (NM_001317195.3); c.806A>G, p.Asn269Ser (NM_001317196.2); short protein forms N324S, N269S.
Identifiers: ClinVar variation 1902724 (VCV001902724.5), dbSNP rs1033109010, ClinGen allele CA283274045.